The following is an entry in ClinVar:

ClinVar aggregate classification (germline): Uncertain significance (1 of 4 stars; one submission).

Conditions:
Inborn genetic diseases. Identifiers: MedGen C0950123, MeSH D030342.

Submission:

Ambry Genetics
Classification: Uncertain significance for Inborn genetic diseases. Last evaluated: 2025-01-21. Review status: criteria provided, single submitter. Criteria: Ambry Variant Classification Scheme 2023. Collection method: clinical testing. Allele origin: germline.
Comment: The p.D794Y variant (also known as c.2380G>T), located in coding exon 1 of the SAMD9L gene, results from a G to T substitution at nucleotide position 2380. The aspartic acid at codon 794 is replaced by tyrosine, an amino acid with highly dissimilar properties. This amino acid position is conserved. In addition, the in silico prediction for this alteration is inconclusive. Based on the available evidence, the clinical significance of this variant remains unclear.

NM_152703.5(SAMD9L):c.2380G>T (p.Asp794Tyr)

Gene: SAMD9L (sterile alpha motif domain containing 9 like; minus strand). Cytogenetic location: 7q21.2.
Variant type: single nucleotide variant.
Coding change: c.2380G>T on transcript NM_152703.5 (MANE Select); coding-DNA position 2380, G replaced by T.
Protein change: p.Asp794Tyr; replaces aspartic acid 794 with tyrosine.
Molecular consequence: missense variant.
Genome position (GRCh38, 1-based): chr7:93,133,592, C>A on the plus strand (G>T on the coding strand, the complement: SAMD9L is on the minus strand). VCF-style: chr7-93133592-C-A. GRCh37 (hg19) VCF-style: chr7-92762905-C-A.
Other names: c.2380G>T, p.Asp794Tyr (NM_001303496.3, NM_001303497.3, NM_001303498.3 and 5 more transcripts); short protein forms D794Y.
Identifiers: ClinVar variation 3792340 (VCV003792340.1).